The following is an entry in ClinVar:

NM_004787.4(SLIT2):c.69G>A (p.Val23=)

Gene: SLIT2 (slit guidance ligand 2; plus strand). Cytogenetic location: 4p15.31.
Variant type: single nucleotide variant.
Coding change: c.69G>A on transcript NM_004787.4 (MANE Select); coding-DNA position 69, G replaced by A.
Protein change: p.Val23=; no amino-acid change (valine 23 retained).
Molecular consequence: synonymous variant.
Genome position (GRCh38, 1-based): chr4:20,253,884, G>A. VCF-style: chr4-20253884-G-A. GRCh37 (hg19) VCF-style: chr4-20255507-G-A.
Other names: p.Val23=; c.69G>A, p.Val23= (NM_001289135.3, NM_001289136.3).
Identifiers: ClinVar variation 783417 (VCV000783417.12), dbSNP rs35451935, ClinGen allele CA2870938.

ClinVar aggregate classification (germline): Benign. Review status: criteria provided, multiple submitters, no conflicts (2 of 4 stars). 3 submissions from 3 submitters: Benign (3). Last evaluated 2026-01-19.

Allele frequency attached by ClinVar (database versions not stated): gnomAD exomes 0.00306; ExAC 0.00362; gnomAD 0.01053 and 0.01146; 1000 Genomes Project 0.01098; ESP Exome Variant Server 0.01200; 1000 Genomes Project 30x 0.01202; TOPMed 0.01230.
gnomAD v4.1: 3,395 of 1,601,360 alleles (0.21%); highest among the groups gnomAD compares: African/African-American, 3.7%; 49 homozygotes.

Submissions (3):

Labcorp Genetics (formerly Invitae), Labcorp
Classification: Benign. Last evaluated: 2026-01-19. Review status: criteria provided, single submitter. Criteria: Invitae Variant Classification Sherloc (09022015). Collection method: clinical testing. Allele origin: germline.

Mayo Clinic Laboratories, Mayo Clinic
Classification: Benign. Last evaluated: 2024-06-14. Review status: criteria provided, single submitter. Criteria: ACMG Guidelines, 2015. Collection method: clinical testing. Allele origin: germline. Observed: 3 variant alleles.
Comment: BS1, BS2, BP4, BP7

Breakthrough Genomics
Classification: Benign. Review status: criteria provided, single submitter. Criteria: ACMG Guidelines, 2015. Collection method: not provided. Allele origin: germline. Inheritance: Unknown mechanism. Affected: yes.